The following is an entry in ClinVar:

NM_152263.4(TPM3):c.301G>A (p.Asp101Asn)

Gene: TPM3 (tropomyosin 3; minus strand). Cytogenetic location: 1q21.3.
Variant type: single nucleotide variant.
Coding change: c.301G>A on transcript NM_152263.4 (MANE Select); coding-DNA position 301, G replaced by A.
Protein change: p.Asp101Asn; replaces aspartic acid 101 with asparagine.
Molecular consequence: missense variant. On other transcripts: 5 prime UTR variant (1), non-coding transcript variant (1), intron variant (1).
Genome position (GRCh38, 1-based): chr1:154,176,191, C>T on the plus strand (G>A on the coding strand, the complement: TPM3 is on the minus strand). VCF-style: chr1-154176191-C-T. GRCh37 (hg19) VCF-style: chr1-154148667-C-T.
Other names: c.190G>A, p.Asp64Asn (NM_001043351.2, NM_001043352.2, NM_001043353.2 and 5 more transcripts); c.-81G>A (NM_001278191.2); c.301G>A, p.Asp101Asn (NM_001364679.2, NM_001364680.2, NM_001364681.2 and 1 more transcripts); c.69-2990G>A (NM_001278188.2); short protein forms D64N, D101N.
Identifiers: ClinVar variation 1405839 (VCV001405839.8), dbSNP rs2148257542, ClinGen allele CA342585008.
Genomic context (GRCh38, chr1:154,176,191, plus strand): 5'-CAGCTTTTTCAGCTTCTTCCAGCTTTTGCAGGGCAGTGGCCAGGCGCTCCTGAGCACGGT[C>T]CAGCTCTTCTTCAACCAGCTGGATCCTACGGTTCAAGGAGGCCACCTCAGCCTCAGCCTG-3'
Protein context (NP_689476.2, residues 91-111): RRIQLVEEEL[Asp101Asn]RAQERLATAL

ClinVar aggregate classification (germline): Uncertain significance (1 of 4 stars; one submission).

Conditions:
Congenital myopathy 4B, autosomal recessive. Also called: Nemaline myopathy 1, autosomal dominant or recessive. Identifiers: Orphanet 171433, Orphanet 171439, Orphanet 171881, MedGen C5829889, MONDO:0012239, OMIM 609284.
Congenital myopathy with fiber type disproportion. Also called: Congenital fiber-type disproportion myopathy; Congenital fiber-type disproportion. Identifiers: Orphanet 2020, MedGen C0546264, MONDO:0009711. Inheritance: all.

Submission:

Labcorp Genetics (formerly Invitae), Labcorp
Classification: Uncertain significance for Congenital myopathy with fiber type disproportion; Congenital myopathy 4B, autosomal recessive. Last evaluated: 2026-01-19. Review status: criteria provided, single submitter. Criteria: Invitae Variant Classification Sherloc (09022015). Collection method: clinical testing. Allele origin: germline.
Comment: This sequence change replaces aspartic acid, which is acidic and polar, with asparagine, which is neutral and polar, at codon 101 of the TPM3 protein (p.Asp101Asn). This variant is not present in population databases (gnomAD no frequency). This missense change has been observed in individual(s) with autosomal dominant TPM3-related conditions (PMID: 38219297). It has also been observed to segregate with disease in related individuals. ClinVar contains an entry for this variant (Variation ID: 1405839). Invitae Evidence Modeling of protein sequence and biophysical properties (such as structural, functional, and spatial information, amino acid conservation, physicochemical variation, residue mobility, and thermodynamic stability) indicates that this missense variant is not expected to disrupt TPM3 protein function with a negative predictive value of 80%. This variant disrupts the p.Asp101 amino acid residue in TPM3. Other variant(s) that disrupt this residue have been observed in individuals with TPM3-related conditions (PMID: 38219297), which suggests that this may be a clinically significant amino acid residue. In summary, the available evidence is currently insufficient to determine the role of this variant in disease. Therefore, it has been classified as a Variant of Uncertain Significance.

Literature cited by the submitters: PubMed 38219297.